The following is an entry in ClinVar:

ClinVar aggregate classification (germline): Uncertain significance. Review status: criteria provided, multiple submitters, no conflicts (2 of 4 stars). 2 submissions from 2 submitters: Uncertain significance (2). Last evaluated 2025-06-24.

Conditions:
Cardiovascular phenotype. Identifiers: MedGen CN230736.
Brugada syndrome. Also called: Sudden unexpected nocturnal death syndrome; Sudden unexplained nocturnal death syndrome; Sudden Unexplained Death Syndrome; Sudden Unexplained Nocturnal Death Syndrome (SUNDS). Identifiers: Orphanet 130, MedGen C1142166, MONDO:0015263.

Allele frequency attached by ClinVar (database versions not stated): gnomAD 0.00001; TOPMed 0.00002; ESP Exome Variant Server 0.00008.
gnomAD v4.1: 23 of 1,614,110 alleles (0.0014%); highest among the groups gnomAD compares: Non-Finnish European, 0.0019%; no homozygotes.

Submissions (2):

Ambry Genetics
Classification: Uncertain significance for Cardiovascular phenotype. Last evaluated: 2025-06-24. Review status: criteria provided, single submitter. Criteria: Ambry Variant Classification Scheme 2023. Collection method: clinical testing. Allele origin: germline.

Labcorp Genetics (formerly Invitae), Labcorp
Classification: Uncertain significance for Brugada syndrome. Last evaluated: 2025-05-01. Review status: criteria provided, single submitter. Criteria: Invitae Variant Classification Sherloc (09022015). Collection method: clinical testing. Allele origin: germline.
Comment: This sequence change replaces histidine, which is basic and polar, with leucine, which is neutral and non-polar, at codon 833 of the SCN10A protein (p.His833Leu). This variant is not present in population databases (gnomAD no frequency). This variant has not been reported in the literature in individuals affected with SCN10A-related conditions. ClinVar contains an entry for this variant (Variation ID: 3225634). Invitae Evidence Modeling of protein sequence and biophysical properties (such as structural, functional, and spatial information, amino acid conservation, physicochemical variation, residue mobility, and thermodynamic stability) indicates that this missense variant is not expected to disrupt SCN10A protein function with a negative predictive value of 80%. In summary, the available evidence is currently insufficient to determine the role of this variant in disease. Therefore, it has been classified as a Variant of Uncertain Significance.

NM_006514.4(SCN10A):c.2498A>T (p.His833Leu)

Gene: SCN10A (sodium voltage-gated channel alpha subunit 10; minus strand). Cytogenetic location: 3p22.2.
Variant type: single nucleotide variant.
Coding change: c.2498A>T on transcript NM_006514.4 (MANE Select); coding-DNA position 2498, A replaced by T.
Protein change: p.His833Leu; replaces histidine 833 with leucine.
Molecular consequence: missense variant.
Genome position (GRCh38, 1-based): chr3:38,728,684, T>A on the plus strand (A>T on the coding strand, the complement: SCN10A is on the minus strand). VCF-style: chr3-38728684-T-A. GRCh37 (hg19) VCF-style: chr3-38770175-T-A.
Other names: c.2498A>T, p.His833Leu (NM_001293306.2); c.2204A>T, p.His735Leu (NM_001293307.2); short protein forms H735L, H833L.
Identifiers: ClinVar variation 3225634 (VCV003225634.3), dbSNP rs137858823, ClinGen allele CA72961962.